The following is an entry in ClinVar:

NM_000051.4(ATM):c.1537C>T (p.Gln513Ter)

Gene: ATM (ATM serine/threonine kinase; plus strand). Cytogenetic location: 11q22.3.
Variant type: single nucleotide variant.
Coding change: c.1537C>T on transcript NM_000051.4 (MANE Select); coding-DNA position 1537, C replaced by T.
Protein change: p.Gln513Ter; replaces glutamine 513 with a stop codon.
Molecular consequence: nonsense.
Genome position (GRCh38, 1-based): chr11:108,251,002, C>T. VCF-style: chr11-108251002-C-T. GRCh37 (hg19) VCF-style: chr11-108121729-C-T.
Other names: c.1537C>T, p.Gln513Ter (NM_001351834.2); short protein forms Q513*.
Identifiers: ClinVar variation 481161 (VCV000481161.14), dbSNP rs865985297, ClinGen allele CA228391108.

ClinVar aggregate classification (germline): Pathogenic. Review status: criteria provided, multiple submitters, no conflicts (2 of 4 stars). 6 submissions from 6 submitters: Pathogenic (4). 2 of the submissions do not count toward it. Last evaluated 2025-12-02.

Conditions:
Familial cancer of breast. Also called: BREAST CANCER, FAMILIAL; Hereditary breast cancer; hereditary breast carcinoma. Identifiers: Orphanet 227535, MedGen C0346153, MONDO:0016419, OMIM 114480. Disease mechanism: loss of function.
Hereditary cancer-predisposing syndrome. Also called: Hereditary neoplastic syndrome; Neoplastic Syndromes, Hereditary; Tumor predisposition; Hereditary Cancer Syndrome. Identifiers: Orphanet 140162, MedGen C0027672, MeSH D009386, MONDO:0015356.
Malignant tumor of urinary bladder. Also called: Bladder cancer; Urinary bladder cancer; Urinary Bladder Neoplasms. Identifiers: MedGen C0005684, MONDO:0001187, OMIM 109800.
Ataxia-telangiectasia syndrome (AT). Also called: LOUIS-BAR SYNDROME; Cerebello-oculocutaneous telangiectasia; Immunodeficiency with ataxia telangiectasia; AT, COMPLEMENTATION GROUP C; Ataxia-telangiectasia, complementation group D; ATAXIA-TELANGIECTASIA, COMPLEMENTATION GROUP A. Identifiers: Orphanet 100, MedGen C0004135, MONDO:0008840, OMIM 208900.

Submissions (6):

Ambry Genetics
Classification: Pathogenic for Hereditary cancer-predisposing syndrome. Last evaluated: 2025-12-02. Review status: criteria provided, single submitter. Criteria: Ambry Variant Classification Scheme 2023. Collection method: clinical testing. Allele origin: germline.
Comment: The p.Q513* pathogenic mutation (also known as c.1537C>T), located in coding exon 9 of the ATM gene, results from a C to T substitution at nucleotide position 1537. This changes the amino acid from a glutamine to a stop codon within coding exon 9. This variant is considered to be rare based on population cohorts in the Genome Aggregation Database (gnomAD). This alteration is expected to result in loss of function by premature protein truncation or nonsense-mediated mRNA decay. As such, this alteration is interpreted as a disease-causing mutation.

Next Generation Genetic Polyclinic
Classification: Pathogenic for Ataxia-telangiectasia syndrome. Last evaluated: 2025-04-22. Review status: criteria provided, single submitter. Criteria: ACMG Guidelines, 2015. Collection method: clinical testing. Allele origin: germline. Affected: yes. Observed: 1 variant allele.
Comment: A pathogenic variant in the ATM gene (c.1537C>T) was identified by clinical testing in a homozygous state. Sanger sequencing confirmed variant presence.

Myriad Genetics, Inc.
Classification: Pathogenic for Familial cancer of breast. Last evaluated: 2024-01-16. Review status: criteria provided, single submitter. Criteria: Myriad Autosomal Dominant, Autosomal Recessive and X-Linked Classification Criteria (2023). Collection method: clinical testing. Allele origin: unknown.
Comment: This variant is considered pathogenic. This variant creates a termination codon and is predicted to result in premature protein truncation.

Labcorp Genetics (formerly Invitae), Labcorp
Classification: Pathogenic for Ataxia-telangiectasia syndrome. Last evaluated: 2021-08-28. Review status: criteria provided, single submitter. Criteria: Invitae Variant Classification Sherloc (09022015). Collection method: clinical testing. Allele origin: germline.
Comment: This variant is not present in population databases (ExAC no frequency). For these reasons, this variant has been classified as Pathogenic. ClinVar contains an entry for this variant (Variation ID: 481161). This variant has not been reported in the literature in individuals affected with ATM-related conditions. This sequence change creates a premature translational stop signal (p.Gln513*) in the ATM gene. It is expected to result in an absent or disrupted protein product. Loss-of-function variants in ATM are known to be pathogenic (PMID: 23807571, 25614872).

Immunology, Asthma and Allergy Research Institute, Tehran University of Medical Sciences
Classification: Pathogenic for Ataxia-telangiectasia syndrome. Review status: no assertion criteria provided. Collection method: research. Allele origin: inherited. Affected: yes. Not counted in ClinVar's aggregate classification.

Laboratory of Urology, Hospital Clinic de Barcelona
Classification: Pathogenic for Malignant tumor of urinary bladder. Review status: no assertion criteria provided. Collection method: research. Allele origin: somatic. Affected: yes. Not counted in ClinVar's aggregate classification.

Literature cited by the submitters: PubMed 25614872 (cited by Next Generation Genetic Polyclinic and Labcorp Genetics (formerly Invitae), Labcorp); PubMed 23807571 (cited by 3 submitters).